The following is an entry in ClinVar:

NM_025137.4(SPG11):c.2874A>C (p.Glu958Asp)

Gene: SPG11 (SPG11 vesicle trafficking associated, spatacsin; minus strand). Cytogenetic location: 15q21.1.
Variant type: single nucleotide variant.
Coding change: c.2874A>C on transcript NM_025137.4 (MANE Select); coding-DNA position 2874, A replaced by C.
Protein change: p.Glu958Asp; replaces glutamic acid 958 with aspartic acid.
Molecular consequence: missense variant.
Genome position (GRCh38, 1-based): chr15:44,615,527, T>G on the plus strand (A>C on the coding strand, the complement: SPG11 is on the minus strand). VCF-style: chr15-44615527-T-G. GRCh37 (hg19) VCF-style: chr15-44907725-T-G.
Other names: c.2874A>C, p.Glu958Asp (NM_001160227.2); short protein forms E958D.
Identifiers: ClinVar variation 466517 (VCV000466517.17), dbSNP rs140164220, ClinGen allele CA7535113.

ClinVar aggregate classification (germline): Conflicting classifications of pathogenicity. Review status: criteria provided, conflicting classifications (1 of 4 stars). 5 submissions from 5 submitters: Uncertain significance (3); Benign (1); Likely benign (1). Last evaluated 2026-01-25.

Conditions:
SPG11-related disorder. Also called: SPG11-related condition.
Inborn genetic diseases. Identifiers: MedGen C0950123, MeSH D030342.
Hereditary spastic paraplegia 11. Also called: Spastic paraplegia, mental retardation and thin corpus callosum; SPASTIC PARAPLEGIA, AUTOSOMAL RECESSIVE, COMPLICATED, WITH THIN CORPUS CALLOSUM; SPASTIC PARAPLEGIA, AUTOSOMAL RECESSIVE, WITH MENTAL IMPAIRMENT AND THIN CORPUS CALLOSUM; Spastic Paraplegia 11; Nakamura Osame syndrome; Autosomal recessive hereditary spastic paraplegia, mental impairment, and thin corpus callosum. Identifiers: Orphanet 2822, MedGen C1858479, MONDO:0011445, OMIM 604360.

Allele frequency attached by ClinVar (database versions not stated): gnomAD exomes 0.00004 and 0.00011; ExAC 0.00012; TOPMed 0.00039; gnomAD 0.00043 and 0.00046; ESP Exome Variant Server 0.00054; 1000 Genomes Project 0.00060; 1000 Genomes Project 30x 0.00062.
gnomAD v4.1: 121 of 1,614,096 alleles (0.0075%); highest among the groups gnomAD compares: African/African-American, 0.14%; no homozygotes.

Submissions (5):

Labcorp Genetics (formerly Invitae), Labcorp
Classification: Benign for Hereditary spastic paraplegia 11. Last evaluated: 2026-01-25. Review status: criteria provided, single submitter. Criteria: Invitae Variant Classification Sherloc (09022015). Collection method: clinical testing. Allele origin: germline.

Athena Diagnostics
Classification: Uncertain significance. Last evaluated: 2025-10-06. Review status: criteria provided, single submitter. Criteria: Athena Diagnostics Criteria. Collection method: clinical testing. Allele origin: unknown.
Comment: Available data are insufficient to determine the clinical significance of the variant at this time. The frequency of this variant in the general population is higher than would generally be expected for pathogenic variants in this gene. Polyphen and MutationTaster predict this amino acid change may be benign.

PreventionGenetics, part of Exact Sciences
Classification: Likely benign for SPG11-related condition. Last evaluated: 2025-07-28. Review status: criteria provided, single submitter. Criteria: ACMG Guidelines, 2015. Collection method: clinical testing. Allele origin: germline.
Comment: This variant is classified as likely benign based on ACMG/AMP sequence variant interpretation guidelines (Richards et al. 2015 PMID: 25741868, with internal and published modifications).

Ambry Genetics
Classification: Uncertain significance for Inborn genetic diseases. Last evaluated: 2025-04-17. Review status: criteria provided, single submitter. Criteria: Ambry Variant Classification Scheme 2023. Collection method: clinical testing. Allele origin: germline.
Comment: The c.2874A>C (p.E958D) alteration is located in coding exon 16 of the SPG11 gene. This alteration results from an A to C substitution at nucleotide position 2874, causing the glutamic acid (E) at amino acid position 958 to be replaced by an aspartic acid (D). Based on data from the Genome Aggregation Database (gnomAD) database, the SPG11 c.2874A>C alteration was observed in 0.02% (45/282628) of total alleles studied, with a frequency of 0.16% (39/24960) in the African subpopulation. The p.E958 amino acid is not conserved in available vertebrate species. The p.E958D alteration is predicted to be tolerated by in silico analysis. Based on insufficient or conflicting evidence, the clinical significance of this alteration remains unclear.

GeneDx
Classification: Uncertain significance. Last evaluated: 2024-10-02. Review status: criteria provided, single submitter. Criteria: GeneDx Variant Classification Process June 2021. Collection method: clinical testing. Allele origin: germline. Affected: yes.
Comment: In silico analysis supports that this missense variant does not alter protein structure/function; Has not been previously published as pathogenic or benign to our knowledge